The following is an entry in ClinVar:

NM_001010874.5(TECRL):c.81G>T (p.Lys27Asn)

Gene: TECRL (trans-2,3-enoyl-CoA reductase like; minus strand). Cytogenetic location: 4q13.1.
Variant type: single nucleotide variant.
Coding change: c.81G>T on transcript NM_001010874.5 (MANE Select); coding-DNA position 81, G replaced by T.
Protein change: p.Lys27Asn; replaces lysine 27 with asparagine.
Molecular consequence: missense variant.
Genome position (GRCh38, 1-based): chr4:64,409,271, C>A on the plus strand (G>T on the coding strand, the complement: TECRL is on the minus strand). VCF-style: chr4-64409271-C-A. GRCh37 (hg19) VCF-style: chr4-65274989-C-A.
Other names: c.81G>T, p.Lys27Asn (NM_001363796.1); short protein forms K27N.
Identifiers: ClinVar variation 4182157 (VCV004182157.1).
Genomic context (GRCh38, chr4:64,409,271, plus strand): 5'-TCTTAGAGGGCCCGCTGAGAGTACAAGTTTTGACAAAAAGTGAAAATTTCTCATATCATC[C>A]TTCAGTATGAACCGTGTAGCTCTTTGGGAAAGTAATGCTCTCTTGCGTTCCGAAGCGAGG-3'
Protein context (NP_001010874.2, residues 17-37): LSQRATRFIL[Lys27Asn]DDMRNFHFLS

ClinVar aggregate classification (germline): Uncertain significance (1 of 4 stars; one submission).

Conditions:
Cardiovascular phenotype. Identifiers: MedGen CN230736.

gnomAD v4.1: 1 of 1,613,674 alleles (0.000062%); highest among the groups gnomAD compares: Non-Finnish European, 0.000085%; no homozygotes.

Submission:

Ambry Genetics
Classification: Uncertain significance for Cardiovascular phenotype. Last evaluated: 2025-08-28. Review status: criteria provided, single submitter. Criteria: Ambry Variant Classification Scheme 2023. Collection method: clinical testing. Allele origin: germline.
Comment: The p.K27N variant (also known as c.81G>T), located in coding exon 1 of the TECRL gene, results from a G to T substitution at nucleotide position 81. The lysine at codon 27 is replaced by asparagine, an amino acid with similar properties. This amino acid position is conserved. In addition, this alteration is predicted to be tolerated by in silico analysis. Based on the available evidence, the clinical significance of this variant remains unclear.